The following is an entry in ClinVar:

ClinVar aggregate classification (germline): Likely pathogenic (1 of 4 stars; one submission).

Allele frequency attached by ClinVar (database versions not stated): ESP Exome Variant Server 0.00008.
gnomAD v4.1: 1 of 1,614,108 alleles (0.000062%); highest among the groups gnomAD compares: African/African-American, 0.0013%; no homozygotes.

Submission:

Labcorp Genetics (formerly Invitae), Labcorp
Classification: Likely pathogenic. Last evaluated: 2023-07-25. Review status: criteria provided, single submitter. Criteria: Invitae Variant Classification Sherloc (09022015). Collection method: clinical testing. Allele origin: germline.
Comment: In summary, the currently available evidence indicates that the variant is pathogenic, but additional data are needed to prove that conclusively. Therefore, this variant has been classified as Likely Pathogenic. Algorithms developed to predict the effect of sequence changes on RNA splicing suggest that this variant may disrupt the consensus splice site. This variant has not been reported in the literature in individuals affected with TG-related conditions. This variant is not present in population databases (gnomAD no frequency). This sequence change affects a donor splice site in intron 7 of the TG gene. It is expected to disrupt RNA splicing. Variants that disrupt the donor or acceptor splice site typically lead to a loss of protein function (PMID: 16199547), and loss-of-function variants in TG are known to be pathogenic (PMID: 19837936, 23164529).

Literature cited by the submitters: PubMed 16199547; PubMed 19837936; PubMed 23164529.

NM_003235.5(TG):c.889+2T>A

Gene: TG (thyroglobulin; plus strand). Cytogenetic location: 8q24.22.
Variant type: single nucleotide variant.
Coding change: c.889+2T>A on transcript NM_003235.5 (MANE Select); the canonical splice donor site of the intron after coding-DNA position 889, T replaced by A.
Molecular consequence: splice donor variant.
Genome position (GRCh38, 1-based): chr8:132,882,614, T>A. VCF-style: chr8-132882614-T-A. GRCh37 (hg19) VCF-style: chr8-133894859-T-A.
Identifiers: ClinVar variation 2746797 (VCV002746797.3), dbSNP rs377652873, ClinGen allele CA186282269.
Genomic context (GRCh38, chr8:132,882,614, plus strand): 5'-CCGGATACTGCAGAGACGGTTCCTCGCAGTTCAATCAGTCATCTCTGGCAGATTCCGATG[T>A]AAGTAATAAACTGCCAACAATGTGCGTGTTTCCATTAGGGGGACGCCTCTTGGGTTTCAA-3'